The following is an entry in ClinVar:

ClinVar aggregate classification (germline): Uncertain significance (1 of 4 stars; one submission).

Conditions:
Hermansky-Pudlak syndrome 2 (HPS2). Also called: Platelet defects and oculocutaneous albinism. Identifiers: Orphanet 183678, Orphanet 79430, MedGen C1842362, MONDO:0011997, OMIM 608233.

Allele frequency attached by ClinVar (database versions not stated): TOPMed below 0.00001; ExAC 0.00001; gnomAD 0.00001; gnomAD exomes 0.00001.
gnomAD v4.1: 10 of 1,613,466 alleles (0.00062%); highest among the groups gnomAD compares: Middle Eastern, 0.016%; no homozygotes.

Submission:

Labcorp Genetics (formerly Invitae), Labcorp
Classification: Uncertain significance for Hermansky-Pudlak syndrome 2. Last evaluated: 2022-05-17. Review status: criteria provided, single submitter. Criteria: Invitae Variant Classification Sherloc (09022015). Collection method: clinical testing. Allele origin: germline.
Comment: In summary, the available evidence is currently insufficient to determine the role of this variant in disease. Therefore, it has been classified as a Variant of Uncertain Significance. Algorithms developed to predict the effect of missense changes on protein structure and function (SIFT, PolyPhen-2, Align-GVGD) all suggest that this variant is likely to be tolerated. This variant has not been reported in the literature in individuals affected with AP3B1-related conditions. This variant is present in population databases (rs767232602, gnomAD 0.003%). This sequence change replaces isoleucine, which is neutral and non-polar, with valine, which is neutral and non-polar, at codon 499 of the AP3B1 protein (p.Ile499Val).

NM_003664.5(AP3B1):c.1495A>G (p.Ile499Val)

Gene: AP3B1 (adaptor related protein complex 3 subunit beta 1; minus strand). Cytogenetic location: 5q14.1.
Variant type: single nucleotide variant.
Coding change: c.1495A>G on transcript NM_003664.5 (MANE Select); coding-DNA position 1495, A replaced by G.
Protein change: p.Ile499Val; replaces isoleucine 499 with valine.
Molecular consequence: missense variant.
Genome position (GRCh38, 1-based): chr5:78,141,298, T>C on the plus strand (A>G on the coding strand, the complement: AP3B1 is on the minus strand). VCF-style: chr5-78141298-T-C. GRCh37 (hg19) VCF-style: chr5-77437122-T-C.
Other names: c.1348A>G, p.Ile450Val (NM_001271769.2); c.1495A>G, p.Ile499Val (NM_001410752.1); short protein forms I450V, I499V.
Identifiers: ClinVar variation 1930725 (VCV001930725.3), dbSNP rs767232602, ClinGen allele CA3317038.